The following is an entry in ClinVar:

ClinVar aggregate classification (germline): Conflicting classifications of pathogenicity. Review status: criteria provided, conflicting classifications (1 of 4 stars). 2 submissions from 2 submitters: Uncertain significance (1); Benign (1). Last evaluated 2024-06-05.

Conditions:
Cardiovascular phenotype. Identifiers: MedGen CN230736.
Hypercholesterolemia, autosomal dominant, type B (FHCL2). Also called: APOB-Related Familial Hypercholesterolemia, Autosomal Dominant; Familial Hypercholesterolemia Type B; APOLIPOPROTEIN B-100, FAMILIAL DEFECTIVE; APOLIPOPROTEIN B-100, FAMILIAL LIGAND-DEFECTIVE; HYPERCHOLESTEROLEMIA, FAMILIAL, DUE TO LIGAND-DEFECTIVE APOLIPOPROTEIN B; Hyperlipoproteinemia Type IIb. Identifiers: MedGen C1704417, MONDO:0007751, OMIM 144010.
Familial hypobetalipoproteinemia 1. Also called: Hypobetalipoproteinemia, normotriglyceridemic; Acanthocytosis with hypobetalipoproteinemia; APOB-Related Familial Hypobetalipoproteinemia. Identifiers: MedGen C4551990, MONDO:0014252, OMIM 615558.

Allele frequency attached by ClinVar (database versions not stated): gnomAD exomes 0.00001; ExAC 0.00002; gnomAD 0.00003; TOPMed 0.00003; ESP Exome Variant Server 0.00008.
gnomAD v4.1: 15 of 1,614,016 alleles (0.00093%); highest among the groups gnomAD compares: African/African-American, 0.0093%; no homozygotes.

Submissions (2):

Ambry Genetics
Classification: Uncertain significance for Cardiovascular phenotype. Last evaluated: 2024-06-05. Review status: criteria provided, single submitter. Criteria: Ambry Variant Classification Scheme 2023. Collection method: clinical testing. Allele origin: germline.
Comment: The p.E323K variant (also known as c.967G>A), located in coding exon 9 of the APOB gene, results from a G to A substitution at nucleotide position 967. The glutamic acid at codon 323 is replaced by lysine, an amino acid with similar properties. This amino acid position is not well conserved in available vertebrate species. In addition, this alteration is predicted to be tolerated by in silico analysis. Based on the available evidence, the clinical significance of this variant remains unclear.

Labcorp Genetics (formerly Invitae), Labcorp
Classification: Benign for Familial hypobetalipoproteinemia 1; Hypercholesterolemia, autosomal dominant, type B. Last evaluated: 2024-04-25. Review status: criteria provided, single submitter. Criteria: Invitae Variant Classification Sherloc (09022015). Collection method: clinical testing. Allele origin: germline.

NM_000384.3(APOB):c.967G>A (p.Glu323Lys)

Gene: APOB (apolipoprotein B; minus strand). Cytogenetic location: 2p24.1.
Variant type: single nucleotide variant.
Coding change: c.967G>A on transcript NM_000384.3 (MANE Select); coding-DNA position 967, G replaced by A.
Protein change: p.Glu323Lys; replaces glutamic acid 323 with lysine.
Molecular consequence: missense variant.
Genome position (GRCh38, 1-based): chr2:21,033,456, C>T on the plus strand (G>A on the coding strand, the complement: APOB is on the minus strand). VCF-style: chr2-21033456-C-T. GRCh37 (hg19) VCF-style: chr2-21256328-C-T.
Other names: c.967G>A (NM_000384.2); short protein forms E323K.
Identifiers: ClinVar variation 2923094 (VCV002923094.4), dbSNP rs368194255, ClinGen allele CA066753.